The following is an entry in ClinVar:

ClinVar aggregate classification (germline): Uncertain significance (1 of 4 stars; one submission).

gnomAD v4.1: 19 of 1,611,342 alleles (0.0012%); highest among the groups gnomAD compares: Non-Finnish European, 0.0014%; no homozygotes.

Submission:

Labcorp Genetics (formerly Invitae), Labcorp
Classification: Uncertain significance. Last evaluated: 2024-08-03. Review status: criteria provided, single submitter. Criteria: Invitae Variant Classification Sherloc (09022015). Collection method: clinical testing. Allele origin: germline.
Comment: This sequence change replaces glutamic acid, which is acidic and polar, with glutamine, which is neutral and polar, at codon 142 of the FOCAD protein (p.Glu142Gln). This variant is present in population databases (rs199773082, gnomAD 0.002%). This variant has not been reported in the literature in individuals affected with FOCAD-related conditions. Experimental studies and prediction algorithms are not available or were not evaluated, and the functional significance of this variant is currently unknown. In summary, the available evidence is currently insufficient to determine the role of this variant in disease. Therefore, it has been classified as a Variant of Uncertain Significance.

NM_001375567.1(FOCAD):c.424G>C (p.Glu142Gln)

Gene: FOCAD (focadhesin; plus strand). Cytogenetic location: 9p21.3.
Variant type: single nucleotide variant.
Coding change: c.424G>C on transcript NM_001375567.1 (MANE Select); coding-DNA position 424, G replaced by C.
Protein change: p.Glu142Gln; replaces glutamic acid 142 with glutamine.
Molecular consequence: missense variant.
Genome position (GRCh38, 1-based): chr9:20,758,121, G>C. VCF-style: chr9-20758121-G-C. GRCh37 (hg19) VCF-style: chr9-20758120-G-C.
Other names: c.424G>C, p.Glu142Gln (NM_001375568.1, NM_017794.5); c.319G>C, p.Glu107Gln (NM_001375570.1); short protein forms E107Q, E142Q.
Identifiers: ClinVar variation 3632239 (VCV003632239.2).